The following is an entry in ClinVar:

ClinVar aggregate classification (germline): Uncertain significance (1 of 4 stars; one submission).

Conditions:
Arrhythmogenic right ventricular dysplasia 12. Also called: ARRHYTHMOGENIC RIGHT VENTRICULAR DYSPLASIA, FAMILIAL, 12. Identifiers: MedGen C1969081, MONDO:0012684, OMIM 611528.
Naxos disease (NXD). Also called: KERATOSIS PALMOPLANTARIS WITH ARRHYTHMOGENIC CARDIOMYOPATHY; MAL DE NAXOS; CARDIOMYOPATHY, ARRHYTHMOGENIC RIGHT VENTRICULAR, WITH SKIN, HAIR, AND NAIL ABNORMALITIES; PALMOPLANTAR KERATODERMA WITH ARRHYTHMOGENIC RIGHT VENTRICULAR CARDIOMYOPATHY AND WOOLLY HAIR; WOOLLY HAIR, PALMOPLANTAR KERATODERMA, AND CARDIAC ABNORMALITIES. Identifiers: Orphanet 34217, MedGen C1832600, MONDO:0011017, OMIM 601214.

Allele frequency attached by ClinVar (database versions not stated): gnomAD exomes below 0.00001.
gnomAD v4.1: 3 of 1,614,212 alleles (0.00019%); highest among the groups gnomAD compares: Non-Finnish European, 0.00025%; no homozygotes.

Submission:

Labcorp Genetics (formerly Invitae), Labcorp
Classification: Uncertain significance for Arrhythmogenic right ventricular dysplasia 12; Naxos disease. Last evaluated: 2018-03-30. Review status: criteria provided, single submitter. Criteria: Invitae Variant Classification Sherloc (09022015). Collection method: clinical testing. Allele origin: germline.
Comment: This sequence change replaces cysteine with tyrosine at codon 341 of the JUP protein (p.Cys341Tyr). The cysteine residue is highly conserved and there is a large physicochemical difference between cysteine and tyrosine. This variant is not present in population databases (ExAC no frequency). This variant has not been reported in the literature in individuals with JUP-related disease. Algorithms developed to predict the effect of missense changes on protein structure and function do not agree on the potential impact of this missense change (SIFT: "Tolerated"; PolyPhen-2: "Probably Damaging"; Align-GVGD: "Class C0"). In summary, the available evidence is currently insufficient to determine the role of this variant in disease. Therefore, it has been classified as a Variant of Uncertain Significance.

NM_002230.4(JUP):c.1022G>A (p.Cys341Tyr)

Gene: JUP (junction plakoglobin; minus strand). Cytogenetic location: 17q21.2.
Variant type: single nucleotide variant.
Coding change: c.1022G>A on transcript NM_002230.4 (MANE Select); coding-DNA position 1022, G replaced by A.
Protein change: p.Cys341Tyr; replaces cysteine 341 with tyrosine.
Molecular consequence: missense variant.
Genome position (GRCh38, 1-based): chr17:41,764,955, C>T on the plus strand (G>A on the coding strand, the complement: JUP is on the minus strand). VCF-style: chr17-41764955-C-T. GRCh37 (hg19) VCF-style: chr17-39921207-C-T.
Other names: c.1022G>A, p.Cys341Tyr (NM_001352773.2, NM_001352774.2, NM_001352775.2 and 3 more transcripts); short protein forms C341Y.
Identifiers: ClinVar variation 571400 (VCV000571400.8), dbSNP rs1567812537, ClinGen allele CA399499314.
Genomic context (GRCh38, chr17:41,764,955, plus strand): 5'-CAGCCGCCCTCAAGGCCATCATACTCACCAGCCTCCACAATGGCAGGCTTATTGCTGGGA[C>T]ACACGGATAGCACCTTGAGCACACGACTGGTGGTCCAGAGCAGCTTTTCATAACTGTAGT-3'
Protein context (NP_002221.1, residues 331-351): TSRVLKVLSV[Cys341Tyr]PSNKPAIVEA